The following is an entry in ClinVar:

NM_020166.5(MCCC1):c.1973_1977+28del

Gene: MCCC1 (methylcrotonyl-CoA carboxylase subunit 1; minus strand). Cytogenetic location: 3q27.1.
Variant type: Deletion.
Coding change: c.1973_1977+28del on transcript NM_020166.5 (MANE Select); coding-DNA position 1973 through 28 bases into the intron after coding-DNA position 1977, 33 bases deleted.
Molecular consequence: splice donor variant.
Genome position (GRCh38, 1-based): chr3:183,020,102-183,020,134, 33 bases deleted; deleting any 33 consecutive bases within chr3:183,020,102-183,020,136 gives the same sequence; the c. name uses the placement nearest the transcript's 3' end. GRCh37 (hg19): chr3:182,737,892-182,737,924.
Other names: c.1973_1977+28delAAAAGGTAATCACATGACATCTGTAGAATGATG (NM_020166.4); c.1646_1650+28del (NM_001363880.1); c.1622_1626+28del (NM_001293273.2); c.1973_1977+28del33 (NM_020166.4).
Identifiers: ClinVar variation 498130 (VCV000498130.15), dbSNP rs776641008, ClinGen allele CA2718606.

ClinVar aggregate classification (germline): Pathogenic/Likely pathogenic. Review status: criteria provided, multiple submitters, no conflicts (2 of 4 stars). 3 submissions from 3 submitters: Pathogenic (1); Likely pathogenic (2). Last evaluated 2025-11-19.

Conditions:
MCCC1-related disorder. Also called: MCCC1-related condition.
3-methylcrotonyl-CoA carboxylase 1 deficiency (MCC1D). Also called: MCC 1 deficiency; 3 Alpha methylcrotonylglycinuria 1; MCCD TYPE 1; METHYLCROTONYLGLYCINURIA TYPE I. Identifiers: Orphanet 6, MedGen CN028786, MONDO:0008861, OMIM 210200.

Submissions (3):

Labcorp Genetics (formerly Invitae), Labcorp
Classification: Pathogenic for 3-methylcrotonyl-CoA carboxylase 1 deficiency. Last evaluated: 2025-11-19. Review status: criteria provided, single submitter. Criteria: Invitae Variant Classification Sherloc (09022015). Collection method: clinical testing. Allele origin: germline.
Comment: This variant results in the deletion of the last 5 nucleotides of exon 17 and affects a donor splice site in intron 17 of the MCCC1 gene. It is expected to disrupt RNA splicing. Variants that disrupt the donor or acceptor splice site typically lead to a loss of protein function (PMID: 16199547), and loss-of-function variants in MCCC1 are known to be pathogenic (PMID: 11181649, 15359379, 22642865). This variant is present in population databases (rs776641008, gnomAD 0.003%). This variant has not been reported in the literature in individuals affected with MCCC1-related conditions. ClinVar contains an entry for this variant (Variation ID: 498130). For these reasons, this variant has been classified as Pathogenic.

PreventionGenetics, part of Exact Sciences
Classification: Likely pathogenic for MCCC1-related condition. Last evaluated: 2024-12-17. Review status: criteria provided, single submitter. Criteria: ACMG Guidelines, 2015. Collection method: clinical testing. Allele origin: germline.
Comment: The MCCC1 c.1973_1977+28del33 variant is predicted to result in a deletion affecting a canonical splice site. This deletion spanning the exon/intron boundary disrupts the GT splice donor site and is predicted to interfere with normal splicing. To our knowledge, this variant has not been reported in the literature. This variant is reported in 0.0029% of alleles in individuals of Latino descent in gnomAD. Variants that disrupt the consensus splice donor site in MCCC1 are expected to be pathogenic. This variant is interpreted as likely pathogenic.

Eurofins Ntd Llc (ga)
Classification: Likely pathogenic. Last evaluated: 2016-10-27. Review status: criteria provided, single submitter. Criteria: EGL Classification Definitions 2015. Collection method: clinical testing. Allele origin: germline. Observed: 1 variant allele, 1 heterozygote.

Literature cited by the submitters: PubMed 16199547 (cited by Labcorp Genetics (formerly Invitae), Labcorp); PubMed 11181649 (cited by Labcorp Genetics (formerly Invitae), Labcorp); PubMed 15359379 (cited by Labcorp Genetics (formerly Invitae), Labcorp); PubMed 22642865 (cited by Labcorp Genetics (formerly Invitae), Labcorp).